The following is an entry in ClinVar:

NM_001753.5(CAV1):c.257A>G (p.Lys86Arg)

Gene: CAV1 (caveolin 1; plus strand). Cytogenetic location: 7q31.2.
Variant type: single nucleotide variant.
Coding change: c.257A>G on transcript NM_001753.5 (MANE Select); coding-DNA position 257, A replaced by G.
Protein change: p.Lys86Arg; replaces lysine 86 with arginine.
Molecular consequence: missense variant.
Genome position (GRCh38, 1-based): chr7:116,559,007, A>G. VCF-style: chr7-116559007-A-G. GRCh37 (hg19) VCF-style: chr7-116199061-A-G.
Other names: c.164A>G, p.Lys55Arg (NM_001172895.1, NM_001172896.2, NM_001172897.2); c.257A>G (NM_001753.4); short protein forms K55R, K86R.
Identifiers: ClinVar variation 2584563 (VCV002584563.2), dbSNP rs200811330, ClinGen allele CA4447858.

ClinVar aggregate classification (germline): Uncertain significance. Review status: criteria provided, multiple submitters, no conflicts (2 of 4 stars). 2 submissions from 2 submitters: Uncertain significance (2). Last evaluated 2024-06-24.

Conditions:
Pulmonary hypertension, primary, 3. Identifiers: Orphanet 422, MedGen C3809192, MONDO:0014135, OMIM 615343.
Partial lipodystrophy, congenital cataracts, and neurodegeneration syndrome (FPLD7). Identifiers: MedGen C3807567, MONDO:0011714, OMIM 606721.

Allele frequency attached by ClinVar (database versions not stated): gnomAD exomes below 0.00001; ExAC 0.00001; gnomAD 0.00004; TOPMed 0.00004; 1000 Genomes Project 0.00020; 1000 Genomes Project 30x 0.00031.
gnomAD v4.1: 9 of 1,613,912 alleles (0.00056%); highest among the groups gnomAD compares: African/African-American, 0.0093%; no homozygotes.

Submissions (2):

GeneDx
Classification: Uncertain significance. Last evaluated: 2024-06-24. Review status: criteria provided, single submitter. Criteria: GeneDx Variant Classification Process June 2021. Collection method: clinical testing. Allele origin: germline. Affected: yes.
Comment: Not observed at significant frequency in large population cohorts (gnomAD); In silico analysis indicates that this missense variant does not alter protein structure/function; Has not been previously published as pathogenic or benign to our knowledge

New York Genome Center
Classification: Uncertain significance for Partial lipodystrophy, congenital cataracts, and neurodegeneration syndrome; Pulmonary hypertension, primary, 3. Last evaluated: 2023-01-23. Review status: criteria provided, single submitter. Criteria: NYGC Assertion Criteria 2020. Collection method: clinical testing. Allele origin: germline. Observed: 1 heterozygote.